The following is an entry in ClinVar:

NM_170606.3(KMT2C):c.4009G>C (p.Val1337Leu)

Gene: KMT2C (lysine methyltransferase 2C; minus strand). Cytogenetic location: 7q36.1.
Variant type: single nucleotide variant.
Coding change: c.4009G>C on transcript NM_170606.3 (MANE Select); coding-DNA position 4009, G replaced by C.
Protein change: p.Val1337Leu; replaces valine 1337 with leucine.
Molecular consequence: missense variant.
Genome position (GRCh38, 1-based): chr7:152,203,017, C>G on the plus strand (G>C on the coding strand, the complement: KMT2C is on the minus strand). VCF-style: chr7-152203017-C-G. GRCh37 (hg19) VCF-style: chr7-151900102-C-G.
Other names: short protein forms V1337L.
Identifiers: ClinVar variation 2632359 (VCV002632359.1), dbSNP rs1042433984, ClinGen allele CA370107974.

ClinVar aggregate classification (germline): Uncertain significance (1 of 4 stars; one submission).

Conditions:
KMT2C-related disorder. Also called: KMT2C-related condition; KMT2C-related disorders.

Allele frequency attached by ClinVar (database versions not stated): gnomAD exomes below 0.00001.
gnomAD v4.1: 3 of 1,611,076 alleles (0.00019%); highest among the groups gnomAD compares: Admixed American, 0.0017%; no homozygotes.

Submission:

PreventionGenetics, part of Exact Sciences
Classification: Uncertain significance for KMT2C-related condition. Last evaluated: 2023-05-24. Review status: criteria provided, single submitter. Criteria: ACMG Guidelines, 2015. Collection method: clinical testing. Allele origin: germline.
Comment: The KMT2C c.4009G>C variant is predicted to result in the amino acid substitution p.Val1337Leu. To our knowledge, this variant has not been reported in the literature. This variant is reported in 0.0029% of alleles in individuals of Latino descent in gnomAD. At this time, the clinical significance of this variant is uncertain due to the absence of conclusive functional and genetic evidence.